The following is an entry in ClinVar:

NM_002941.4(ROBO1):c.2081A>C (p.His694Pro)

Gene: ROBO1 (roundabout guidance receptor 1; minus strand). Cytogenetic location: 3p12.3.
Variant type: single nucleotide variant.
Coding change: c.2081A>C on transcript NM_002941.4 (MANE Select); coding-DNA position 2081, A replaced by C.
Protein change: p.His694Pro; replaces histidine 694 with proline.
Molecular consequence: missense variant.
Genome position (GRCh38, 1-based): chr3:78,662,000, T>G on the plus strand (A>C on the coding strand, the complement: ROBO1 is on the minus strand). VCF-style: chr3-78662000-T-G. GRCh37 (hg19) VCF-style: chr3-78711150-T-G.
Other names: c.1973A>C, p.His658Pro (NM_001145845.2, NM_133631.4); short protein forms H658P, H694P.
Identifiers: ClinVar variation 3362203 (VCV003362203.1).

ClinVar aggregate classification (germline): Uncertain significance (1 of 4 stars; one submission).

gnomAD v4.1: 1 of 1,607,990 alleles (0.000062%); highest among the groups gnomAD compares: Non-Finnish European, 0.000085%; no homozygotes.

Submission:

GeneDx
Classification: Uncertain significance. Last evaluated: 2023-06-05. Review status: criteria provided, single submitter. Criteria: GeneDx Variant Classification Process June 2021. Collection method: clinical testing. Allele origin: germline. Affected: yes.
Comment: Not observed at significant frequency in large population cohorts (gnomAD); In silico analysis supports that this missense variant does not alter protein structure/function; Has not been previously published as pathogenic or benign to our knowledge